The following is an entry in ClinVar:

NM_000093.5(COL5A1):c.1537C>T (p.Pro513Ser)

Gene: COL5A1 (collagen type V alpha 1 chain; plus strand). Cytogenetic location: 9q34.3.
Variant type: single nucleotide variant.
Coding change: c.1537C>T on transcript NM_000093.5 (MANE Select); coding-DNA position 1537, C replaced by T.
Protein change: p.Pro513Ser; replaces proline 513 with serine.
Molecular consequence: missense variant.
Genome position (GRCh38, 1-based): chr9:134,750,584, C>T. VCF-style: chr9-134750584-C-T. GRCh37 (hg19) VCF-style: chr9-137642430-C-T.
Other names: c.1537C>T, p.Pro513Ser (NM_001278074.1); short protein forms P513S.
Identifiers: ClinVar variation 1709465 (VCV001709465.2), dbSNP rs2490586715, ClinGen allele CA375443646.

ClinVar aggregate classification (germline): Uncertain significance (1 of 4 stars; one submission).

Conditions:
Ehlers-Danlos syndrome, classic type, 1 (EDSCL1). Also called: EDS I; Ehlers-Danlos syndrome, type 1; EHLERS-DANLOS SYNDROME, GRAVIS TYPE; EHLERS-DANLOS SYNDROME, SEVERE CLASSIC TYPE; Ehlers-Danlos Syndrome, Classic Type, COL5A1-Related. Identifiers: MedGen C0268335, MONDO:0019567, OMIM 130000.

gnomAD v4.1: 2 of 1,613,562 alleles (0.00012%); highest among the groups gnomAD compares: Non-Finnish European, 0.00017%; no homozygotes.

Submission:

MGZ Medical Genetics Center
Classification: Uncertain significance for Ehlers-Danlos syndrome, classic type, 1. Last evaluated: 2022-05-13. Review status: criteria provided, single submitter. Criteria: ACMG Guidelines, 2015. Collection method: clinical testing. Allele origin: germline. Affected: yes. Observed: 3 variant alleles.
Comment: ACMG criteria applied: PM2_SUP, PP1, PP3